The following is an entry in ClinVar:

ClinVar aggregate classification (germline): Uncertain significance (1 of 4 stars; one submission).

Conditions:
Hereditary cancer-predisposing syndrome. Also called: Neoplastic Syndromes, Hereditary; Tumor predisposition; Hereditary Cancer Syndrome; Hereditary neoplastic syndrome. Identifiers: Orphanet 140162, MedGen C0027672, MeSH D009386, MONDO:0015356.

Allele frequency attached by ClinVar (database versions not stated): TOPMed below 0.00001.

Submission:

Ambry Genetics
Classification: Uncertain significance for Hereditary cancer-predisposing syndrome. Last evaluated: 2022-05-20. Review status: criteria provided, single submitter. Criteria: Ambry Variant Classification Scheme 2023. Collection method: clinical testing. Allele origin: germline.
Comment: The p.D302G variant (also known as c.905A>G), located in coding exon 3 of the ALK gene, results from an A to G substitution at nucleotide position 905. The aspartic acid at codon 302 is replaced by glycine, an amino acid with similar properties. This amino acid position is conserved. In addition, this alteration is predicted to be tolerated by in silico analysis. Since supporting evidence is limited at this time, the clinical significance of this alteration remains unclear.

NM_004304.5(ALK):c.905A>G (p.Asp302Gly)

Gene: ALK (ALK receptor tyrosine kinase; minus strand). Cytogenetic location: 2p23.2.
Variant type: single nucleotide variant.
Coding change: c.905A>G on transcript NM_004304.5 (MANE Select); coding-DNA position 905, A replaced by G.
Protein change: p.Asp302Gly; replaces aspartic acid 302 with glycine.
Molecular consequence: missense variant.
Genome position (GRCh38, 1-based): chr2:29,694,897, T>C on the plus strand (A>G on the coding strand, the complement: ALK is on the minus strand). VCF-style: chr2-29694897-T-C. GRCh37 (hg19) VCF-style: chr2-29917763-T-C.
Other names: short protein forms D302G.
Identifiers: ClinVar variation 1765616 (VCV001765616.2), dbSNP rs1367067525, ClinGen allele CA346586899.